The following is an entry in ClinVar:

NM_002474.3(MYH11):c.148A>G (p.Ile50Val)

Gene: MYH11 (myosin heavy chain 11; minus strand). Cytogenetic location: 16p13.11.
Variant type: single nucleotide variant.
Coding change: c.148A>G on transcript NM_002474.3 (MANE Select); coding-DNA position 148, A replaced by G.
Protein change: p.Ile50Val; replaces isoleucine 50 with valine.
Molecular consequence: missense variant.
Genome position (GRCh38, 1-based): chr16:15,838,105, T>C on the plus strand (A>G on the coding strand, the complement: MYH11 is on the minus strand). VCF-style: chr16-15838105-T-C. GRCh37 (hg19) VCF-style: chr16-15931962-T-C.
Other names: c.148A>G, p.Ile50Val (NM_001040113.2, NM_001040114.2, NM_022844.3); short protein forms I50V.
Identifiers: ClinVar variation 2957173 (VCV002957173.3), dbSNP rs2043952063, ClinGen allele CA395198573.

ClinVar aggregate classification (germline): Uncertain significance (1 of 4 stars; one submission).

Conditions:
Aortic aneurysm, familial thoracic 4 (AAT4). Also called: AORTIC ANEURYSM/AORTIC DISSECTION AND PATENT DUCTUS ARTERIOSUS. Identifiers: MedGen C1851504, MONDO:0007568, OMIM 132900.

Allele frequency attached by ClinVar (database versions not stated): gnomAD exomes below 0.00001.

Submission:

Labcorp Genetics (formerly Invitae), Labcorp
Classification: Uncertain significance for Aortic aneurysm, familial thoracic 4. Last evaluated: 2025-03-27. Review status: criteria provided, single submitter. Criteria: Invitae Variant Classification Sherloc (09022015). Collection method: clinical testing. Allele origin: germline.
Comment: This sequence change replaces isoleucine, which is neutral and non-polar, with valine, which is neutral and non-polar, at codon 50 of the MYH11 protein (p.Ile50Val). This variant is not present in population databases (gnomAD no frequency). This variant has not been reported in the literature in individuals affected with MYH11-related conditions. ClinVar contains an entry for this variant (Variation ID: 2957173). Invitae Evidence Modeling of protein sequence and biophysical properties (such as structural, functional, and spatial information, amino acid conservation, physicochemical variation, residue mobility, and thermodynamic stability) indicates that this missense variant is not expected to disrupt MYH11 protein function with a negative predictive value of 95%. In summary, the available evidence is currently insufficient to determine the role of this variant in disease. Therefore, it has been classified as a Variant of Uncertain Significance.